The following is an entry in ClinVar:

ClinVar aggregate classification (germline): Likely benign (1 of 4 stars; one submission).

gnomAD v4.1: 229 of 1,614,124 alleles (0.014%); highest among the groups gnomAD compares: African/African-American, 0.21%; 1 homozygote.

Submission:

CeGaT Center for Human Genetics Tuebingen
Classification: Likely benign. Last evaluated: 2026-05-01. Review status: criteria provided, single submitter. Criteria: CeGaT Center For Human Genetics Tuebingen Variant Classification Criteria Version 2. Collection method: clinical testing. Allele origin: germline. Affected: yes. Observed: 1 variant allele.
Comment: MLIP: BP4, BP7

NM_001281747.2(MLIP):c.438C>T (p.Ser146=)

Genes: MLIP (muscular LMNA interacting protein; plus strand), LOC126859697 (CDK7 strongly-dependent group 2 enhancer GRCh37_chr6:53989184-53990383; plus strand). Cytogenetic location: 6p12.1.
Variant type: single nucleotide variant.
Coding change: c.438C>T on transcript NM_001281747.2 (MANE Select); coding-DNA position 438, C replaced by T.
Protein change: p.Ser146=; no amino-acid change (serine 146 retained).
Molecular consequence: synonymous variant.
Genome position (GRCh38, 1-based): chr6:54,124,658, C>T. VCF-style: chr6-54124658-C-T. GRCh37 (hg19) VCF-style: chr6-53989456-C-T.
Other names: c.405C>T, p.Ser135= (NM_001281746.2, NM_138569.3).
Identifiers: ClinVar variation 4872522 (VCV004872522.2).
Genomic context (GRCh38, chr6:54,124,658, plus strand): 5'-ACTTCAAGGGATGCAGCAAAGTGACCTCTTCAAAGCTGAATATGTCCTTATTGTGGACTC[C>T]GAAGGGGAAGATGAGGCTGCAAGCAGAAAAGTTGAACAAGGCCCCCCAGGGGGGATTGGC-3'
Protein context (NP_001268676.1, residues 136-156): FKAEYVLIVD[Ser146=]EGEDEAASRK